The following is an entry in ClinVar:

ClinVar aggregate classification (germline): Pathogenic (1 of 4 stars; one submission).

Submission:

Labcorp Genetics (formerly Invitae), Labcorp
Classification: Pathogenic. Last evaluated: 2023-12-10. Review status: criteria provided, single submitter. Criteria: Invitae Variant Classification Sherloc (09022015). Collection method: clinical testing. Allele origin: germline.
Comment: This sequence change creates a premature translational stop signal (p.Glu803Valfs*19) in the DDR2 gene. While this is not anticipated to result in nonsense mediated decay, it is expected to disrupt the last 53 amino acid(s) of the DDR2 protein. This variant is not present in population databases (gnomAD no frequency). This variant has not been reported in the literature in individuals affected with DDR2-related conditions. This variant disrupts a region of the DDR2 protein in which other variant(s) (p.Ser823Cysfs*3) have been determined to be pathogenic (PMID: 24725993). This suggests that this is a clinically significant region of the protein, and that variants that disrupt it are likely to be disease-causing. For these reasons, this variant has been classified as Pathogenic.

Literature cited by the submitters: PubMed 24725993.

NM_006182.4(DDR2):c.2408_2409del (p.Glu803fs)

Gene: DDR2 (discoidin domain receptor tyrosine kinase 2; plus strand). Cytogenetic location: 1q23.3.
Variant type: Microsatellite.
Coding change: c.2408_2409del on transcript NM_006182.4 (MANE Select); coding-DNA positions 2408 to 2409, 2 bases deleted (AG; older notation c.2408_2409delAG).
Protein change: p.Glu803fs; shifts the reading frame from glutamic acid 803.
Molecular consequence: frameshift variant.
Genome position (GRCh38, 1-based): chr1:162,778,704-162,778,705, AG deleted; deleting any 2 consecutive bases within chr1:162,778,701-162,778,705 gives the same sequence; the c. name uses the placement nearest the transcript's 3' end. VCF-style (leftmost placement, unchanged base first): chr1-162778700-GGA-G. GRCh37 (hg19) VCF-style: chr1-162748490-GGA-G.
Other names: c.2408_2409del, p.Glu803fs (NM_001014796.3, NM_001354982.2, NM_001354983.2); short protein forms E803fs.
Identifiers: ClinVar variation 2772476 (VCV002772476.3), dbSNP rs2525035843, ClinGen allele CA2648845526.